The following is an entry in ClinVar:

NM_004415.4(DSP):c.7679T>C (p.Met2560Thr)

Gene: DSP (desmoplakin; plus strand). Cytogenetic location: 6p24.3.
Variant type: single nucleotide variant.
Coding change: c.7679T>C on transcript NM_004415.4 (MANE Select); coding-DNA position 7679, T replaced by C.
Protein change: p.Met2560Thr; replaces methionine 2560 with threonine.
Molecular consequence: missense variant.
Genome position (GRCh38, 1-based): chr6:7,584,941, T>C. VCF-style: chr6-7584941-T-C. GRCh37 (hg19) VCF-style: chr6-7585174-T-C.
Other names: c.5882T>C, p.Met1961Thr (NM_001008844.3); c.6350T>C, p.Met2117Thr (NM_001319034.2); short protein forms M2117T, M1961T, M2560T.
Identifiers: ClinVar variation 2163601 (VCV002163601.5), dbSNP rs747898650, ClinGen allele CA050441.

ClinVar aggregate classification (germline): Uncertain significance. Review status: criteria provided, multiple submitters, no conflicts (2 of 4 stars). 2 submissions from 2 submitters: Uncertain significance (2). Last evaluated 2025-02-12.

Conditions:
Arrhythmogenic cardiomyopathy with wooly hair and keratoderma. Also called: PALMOPLANTAR KERATODERMA WITH LEFT VENTRICULAR CARDIOMYOPATHY AND WOOLLY HAIR; Dilated cardiomyopathy with woolly hair and keratoderma; Carvajal syndrome; Arrhythmogenic cardiomyopathy with woolly hair and keratoderma. Identifiers: Orphanet 65282, MedGen C1854063, MONDO:0011581, OMIM 605676.
Arrhythmogenic right ventricular dysplasia 8 (ARVD8). Also called: ARRHYTHMOGENIC RIGHT VENTRICULAR CARDIOMYOPATHY 8; ARRHYTHMOGENIC RIGHT VENTRICULAR DYSPLASIA, FAMILIAL, 8; Arrhythmogenic Right Ventricular Dysplasia/Cardiomyopathy 8. Identifiers: MedGen C1843896, MONDO:0011831, OMIM 607450.
Cardiomyopathy (CMYO). Also called: Cardiomyopathies. Identifiers: Orphanet 167848, MedGen C0878544, MONDO:0004994, HP:0001638. Inheritance: Various modes of inheritance.

Allele frequency attached by ClinVar (database versions not stated): TOPMed below 0.00001; ExAC 0.00001; gnomAD exomes 0.00001.
gnomAD v4.1: 6 of 1,614,208 alleles (0.00037%); highest among the groups gnomAD compares: South Asian, 0.0011%; no homozygotes.

Submissions (2):

Labcorp Genetics (formerly Invitae), Labcorp
Classification: Uncertain significance for Arrhythmogenic cardiomyopathy with wooly hair and keratoderma; Arrhythmogenic right ventricular dysplasia 8. Last evaluated: 2025-02-12. Review status: criteria provided, single submitter. Criteria: Invitae Variant Classification Sherloc (09022015). Collection method: clinical testing. Allele origin: germline.
Comment: This sequence change replaces methionine, which is neutral and non-polar, with threonine, which is neutral and polar, at codon 2560 of the DSP protein (p.Met2560Thr). This variant is present in population databases (rs747898650, gnomAD 0.002%). This variant has not been reported in the literature in individuals affected with DSP-related conditions. ClinVar contains an entry for this variant (Variation ID: 2163601). An algorithm developed to predict the effect of missense changes on protein structure and function (PolyPhen-2) suggests that this variant is likely to be disruptive. In summary, the available evidence is currently insufficient to determine the role of this variant in disease. Therefore, it has been classified as a Variant of Uncertain Significance.

Color Diagnostics, LLC DBA Color Health
Classification: Uncertain significance for Cardiomyopathy. Last evaluated: 2024-03-07. Review status: criteria provided, single submitter. Criteria: ACMG Guidelines, 2015. Collection method: clinical testing. Allele origin: germline.
Comment: This missense variant replaces methionine with threonine at codon 2560 of the DSP protein. Computational prediction suggests that this variant may not impact protein structure and function. To our knowledge, functional studies have not been reported for this variant. This variant has not been reported in individuals affected with cardiovascular disorders in the literature. This variant has been identified in 2/251496 chromosomes in the general population by the Genome Aggregation Database (gnomAD). The available evidence is insufficient to determine the role of this variant in disease conclusively. Therefore, this variant is classified as a Variant of Uncertain Significance.